The following is an entry in ClinVar:

NM_020366.4(RPGRIP1):c.2948A>T (p.Lys983Met)

Gene: RPGRIP1 (RPGR interacting protein 1; plus strand). Cytogenetic location: 14q11.2.
Variant type: single nucleotide variant.
Coding change: c.2948A>T on transcript NM_020366.4 (MANE Select); coding-DNA position 2948, A replaced by T.
Protein change: p.Lys983Met; replaces lysine 983 with methionine.
Molecular consequence: missense variant.
Genome position (GRCh38, 1-based): chr14:21,328,476, A>T. VCF-style: chr14-21328476-A-T. GRCh37 (hg19) VCF-style: chr14-21796635-A-T.
Other names: c.2948A>T (NM_020366.3); c.926A>T, p.Lys309Met (NM_001377523.1, NM_001377950.1); c.1874A>T, p.Lys625Met (NM_001377948.1); c.1034A>T, p.Lys345Met (NM_001377949.1); c.428A>T, p.Lys143Met (NM_001377951.1); short protein forms K309M, K143M, K983M, K345M, K625M.
Identifiers: ClinVar variation 2156261 (VCV002156261.5), dbSNP rs777650004, ClinGen allele CA7089383.

ClinVar aggregate classification (germline): Uncertain significance. Review status: criteria provided, multiple submitters, no conflicts (2 of 4 stars). 2 submissions from 2 submitters: Uncertain significance (2). Last evaluated 2023-08-04.

Conditions:
Inborn genetic diseases. Identifiers: MedGen C0950123, MeSH D030342.
Cone-rod dystrophy 13 (CORD13). Identifiers: Orphanet 1872, MedGen C2750720, MONDO:0011987, OMIM 608194.
Leber congenital amaurosis 6 (LCA6). Identifiers: Orphanet 65, MedGen C1854260, MONDO:0013446, OMIM 613826.

Allele frequency attached by ClinVar (database versions not stated): ExAC 0.00002.
gnomAD v4.1: 18 of 1,613,866 alleles (0.0011%); highest among the groups gnomAD compares: South Asian, 0.019%; no homozygotes.

Submissions (2):

Labcorp Genetics (formerly Invitae), Labcorp
Classification: Uncertain significance for Leber congenital amaurosis 6; Cone-rod dystrophy 13. Last evaluated: 2023-08-04. Review status: criteria provided, single submitter. Criteria: Invitae Variant Classification Sherloc (09022015). Collection method: clinical testing. Allele origin: germline.
Comment: This sequence change replaces lysine, which is basic and polar, with methionine, which is neutral and non-polar, at codon 983 of the RPGRIP1 protein (p.Lys983Met). This variant is present in population databases (rs777650004, gnomAD 0.02%). This variant has not been reported in the literature in individuals affected with RPGRIP1-related conditions. ClinVar contains an entry for this variant (Variation ID: 2156261). Advanced modeling of protein sequence and biophysical properties (such as structural, functional, and spatial information, amino acid conservation, physicochemical variation, residue mobility, and thermodynamic stability) has been performed at Invitae for this missense variant, however the output from this modeling did not meet the statistical confidence thresholds required to predict the impact of this variant on RPGRIP1 protein function. In summary, the available evidence is currently insufficient to determine the role of this variant in disease. Therefore, it has been classified as a Variant of Uncertain Significance.

Ambry Genetics
Classification: Uncertain significance for Inborn genetic diseases. Last evaluated: 2021-06-11. Review status: criteria provided, single submitter. Criteria: Ambry Variant Classification Scheme 2023. Collection method: clinical testing. Allele origin: germline.